The following is an entry in ClinVar:

NM_001394062.1(MACF1):c.1405A>C (p.Ile469Leu)

Gene: MACF1 (microtubule actin crosslinking factor 1; plus strand). Cytogenetic location: 1p34.3.
Variant type: single nucleotide variant.
Coding change: c.1405A>C on transcript NM_001394062.1 (MANE Select); coding-DNA position 1405, A replaced by C.
Protein change: p.Ile469Leu; replaces isoleucine 469 with leucine.
Molecular consequence: missense variant.
Genome position (GRCh38, 1-based): chr1:39,285,655, A>C. VCF-style: chr1-39285655-A-C. GRCh37 (hg19) VCF-style: chr1-39751327-A-C.
Other names: c.1420A>C, p.Ile474Leu (NM_012090.5); short protein forms I469L, I474L.
Identifiers: ClinVar variation 4803779 (VCV004803779.1).
Genomic context (GRCh38, chr1:39,285,655, plus strand): 5'-CTGTCTCAGGATGCTGCTCACCTGGAATCAGGACAACCGGTACAATGTGAGTCAGATGTC[A>C]TTATGTACATTCAGGAGTGTGAAGGTCTCATCAGGCAGCTGCAGGTGGATCTCCAGATCC-3'
Protein context (NP_001380991.1, residues 459-479): GQPVQCESDV[Ile469Leu]MYIQECEGLI

ClinVar aggregate classification (germline): Uncertain significance (1 of 4 stars; one submission).

Submission:

Labcorp Genetics (formerly Invitae), Labcorp
Classification: Uncertain significance. Last evaluated: 2025-12-11. Review status: criteria provided, single submitter. Criteria: Invitae Variant Classification Sherloc (09022015). Collection method: clinical testing. Allele origin: germline.
Comment: This sequence change replaces isoleucine, which is neutral and non-polar, with leucine, which is neutral and non-polar, at codon 474 of the MACF1 protein (p.Ile474Leu). This variant is not present in population databases (gnomAD no frequency). This variant has not been reported in the literature in individuals affected with MACF1-related conditions. An algorithm developed to predict the effect of missense changes on protein structure and function (PolyPhen-2) suggests that this variant is likely to be tolerated. In summary, the available evidence is currently insufficient to determine the role of this variant in disease. Therefore, it has been classified as a Variant of Uncertain Significance.